The following is an entry in ClinVar:

ClinVar aggregate classification (germline): Uncertain significance (1 of 4 stars; one submission).

Conditions:
Early-infantile DEE. Also called: Early infantile epileptic encephalopathy; Early infantile epileptic encephalopathy with suppression bursts; Ohtahara syndrome. Identifiers: Orphanet 1934, MedGen C0393706, MONDO:0800491.

Submission:

Labcorp Genetics (formerly Invitae), Labcorp
Classification: Uncertain significance for Early-infantile DEE. Last evaluated: 2024-05-29. Review status: criteria provided, single submitter. Criteria: Invitae Variant Classification Sherloc (09022015). Collection method: clinical testing. Allele origin: germline.
Comment: This sequence change falls in intron 21 of the CACNA2D2 gene. It does not directly change the encoded amino acid sequence of the CACNA2D2 protein. It affects a nucleotide within the consensus splice site. This variant is not present in population databases (gnomAD no frequency). This variant has not been reported in the literature in individuals affected with CACNA2D2-related conditions. ClinVar contains an entry for this variant (Variation ID: 2111499). Variants that disrupt the consensus splice site are a relatively common cause of aberrant splicing (PMID: 17576681, 9536098). Algorithms developed to predict the effect of sequence changes on RNA splicing suggest that this variant is not likely to affect RNA splicing. In summary, the available evidence is currently insufficient to determine the role of this variant in disease. Therefore, it has been classified as a Variant of Uncertain Significance.

Literature cited by the submitters: PubMed 17576681; PubMed 9536098.

NM_006030.4(CACNA2D2):c.1907+3A>G

Gene: CACNA2D2 (calcium voltage-gated channel auxiliary subunit alpha2delta 2; minus strand). Cytogenetic location: 3p21.31.
Variant type: single nucleotide variant.
Coding change: c.1907+3A>G on transcript NM_006030.4 (MANE Select); 3 bases into the intron after coding-DNA position 1907, A replaced by G.
Molecular consequence: intron variant.
Genome position (GRCh38, 1-based): chr3:50,375,641, T>C on the plus strand (A>G on the coding strand, the complement: CACNA2D2 is on the minus strand). VCF-style: chr3-50375641-T-C. GRCh37 (hg19) VCF-style: chr3-50413072-T-C.
Other names: c.1700+3A>G (NM_001291101.1); c.1907+3A>G (NM_001005505.3, NM_001174051.3).
Identifiers: ClinVar variation 2111499 (VCV002111499.4), dbSNP rs1263024687, ClinGen allele CA2580070125.